The following is an entry in ClinVar:

ClinVar aggregate classification (germline): Likely pathogenic. Review status: criteria provided, multiple submitters, no conflicts (2 of 4 stars). 3 submissions from 3 submitters: Likely pathogenic (3). Last evaluated 2025-11-09.

Conditions:
Dilated cardiomyopathy 1G (CMD1G). Identifiers: Orphanet 154, MedGen C1858763, MONDO:0011400, OMIM 604145.
Autosomal recessive limb-girdle muscular dystrophy type 2J (LGMDR10). Also called: MUSCULAR DYSTROPHY, LIMB-GIRDLE, AUTOSOMAL RECESSIVE 10; Limb-girdle muscular dystrophy, type 2J. Identifiers: Orphanet 140922, MedGen C1837342, MONDO:0012127, OMIM 608807.
Cardiovascular phenotype. Identifiers: MedGen CN230736.

Submissions (3):

Labcorp Genetics (formerly Invitae), Labcorp
Classification: Likely pathogenic for Dilated cardiomyopathy 1G; Autosomal recessive limb-girdle muscular dystrophy type 2J. Last evaluated: 2025-11-09. Review status: criteria provided, single submitter. Criteria: Invitae Variant Classification Sherloc (09022015). Collection method: clinical testing. Allele origin: germline.
Comment: This sequence change creates a premature translational stop signal (p.Trp28391*) in the TTN gene. While this is not anticipated to result in nonsense mediated decay, it is expected to create a truncated TTN protein. This variant is not present in population databases (gnomAD no frequency). This variant has not been reported in the literature in individuals affected with TTN-related conditions. ClinVar contains an entry for this variant (Variation ID: 498930). This variant is located in the A band of TTN (PMID: 25589632). Truncating variants in this region are significantly overrepresented in patients affected with dilated cardiomyopathy (PMID: 25589632). Truncating variants in this region have also been reported in individuals affected with autosomal recessive centronuclear myopathy (PMID: 23975875). In summary, the currently available evidence indicates that the variant is pathogenic, but additional data are needed to prove that conclusively. Therefore, this variant has been classified as Likely Pathogenic.

Ambry Genetics
Classification: Likely pathogenic for Cardiovascular phenotype. Last evaluated: 2025-10-07. Review status: criteria provided, single submitter. Criteria: Ambry Variant Classification Scheme 2023. Collection method: clinical testing. Allele origin: germline.
Comment: The p.W19326* variant (also known as c.57978G>A), located in coding exon 153 of the TTN gene, results from a G to A substitution at nucleotide position 57978. This changes the amino acid from a tryptophan to a stop codon within coding exon 153. This exon is located in the A-band region of the N2-B isoform of the titin protein and is constitutively expressed in TTN transcripts (percent spliced in or PSI 100%). This variant is considered to be rare based on population cohorts in the Genome Aggregation Database (gnomAD). This variant is expected to result in loss of function by premature protein truncation or nonsense-mediated mRNA decay. While truncating variants in TTN are present in 1-3% of the general population, truncating variants in the A-band are the most common cause of dilated cardiomyopathy (Herman DS et al. N. Engl. J. Med., 2012 Feb;366:619-28; Roberts AM et al. Sci Transl Med, 2015 Jan;7:270ra6). TTN truncating variants encoded in constitutive exons (PSI >90%) have been found to be significantly associated with DCM regardless of their position in titin (Schafer S et al. Nat. Genet., 2017 01;49:46-53; Akhtar MM et al. Circ Heart Fail, 2020 Oct;13:e006832; Massier M et al. Clin Genet, 2025 Jan). Based on the majority of available evidence to date, this variant is likely to be pathogenic.

Eurofins Ntd Llc (ga)
Classification: Likely pathogenic. Last evaluated: 2016-12-05. Review status: criteria provided, single submitter. Criteria: EGL Classification Definitions 2015. Collection method: clinical testing. Allele origin: germline. Observed: 1 variant allele, 1 heterozygote.

Literature cited by the submitters: PubMed 25589632 (cited by Labcorp Genetics (formerly Invitae), Labcorp); PubMed 23975875 (cited by Labcorp Genetics (formerly Invitae), Labcorp).

NM_001267550.2(TTN):c.85173G>A (p.Trp28391Ter)

Genes: TTN-AS1 (TTN antisense RNA 1; plus strand), TTN (titin; minus strand). Cytogenetic location: 2q31.2.
Variant type: single nucleotide variant.
Coding change: c.85173G>A on transcript NM_001267550.2 (MANE Select); coding-DNA position 85173, G replaced by A.
Protein change: p.Trp28391Ter; replaces tryptophan 28391 with a stop codon.
Molecular consequence: nonsense.
Genome position (GRCh38, 1-based): chr2:178,560,959, C>T on the plus strand (G>A on the coding strand, the complement: TTN is on the minus strand). VCF-style: chr2-178560959-C-T. GRCh37 (hg19) VCF-style: chr2-179425686-C-T.
Other names: c.80250G>A, p.Trp26750Ter (NM_001256850.1); c.57978G>A, p.Trp19326Ter (NM_003319.4); c.77469G>A, p.Trp25823Ter (NM_133378.4); c.58353G>A, p.Trp19451Ter (NM_133432.3); c.58554G>A, p.Trp19518Ter (NM_133437.4); short protein forms W25823*, W28391*, W19518*, W26750*, W19326*, W19451*.
Identifiers: ClinVar variation 498930 (VCV000498930.8), dbSNP rs1553563519, ClinGen allele CA349555326.